The following is an entry in ClinVar:

NM_003322.6(TULP1):c.738G>T (p.Arg246Ser)

Gene: TULP1 (TUB like protein 1; minus strand). Cytogenetic location: 6p21.31.
Variant type: single nucleotide variant.
Coding change: c.738G>T on transcript NM_003322.6 (MANE Select); coding-DNA position 738, G replaced by T.
Protein change: p.Arg246Ser; replaces arginine 246 with serine.
Molecular consequence: missense variant.
Genome position (GRCh38, 1-based): chr6:35,509,293, C>A on the plus strand (G>T on the coding strand, the complement: TULP1 is on the minus strand). VCF-style: chr6-35509293-C-A. GRCh37 (hg19) VCF-style: chr6-35477070-C-A.
Other names: c.579G>T, p.Arg193Ser (NM_001289395.2); short protein forms R193S, R246S.
Identifiers: ClinVar variation 953872 (VCV000953872.8), dbSNP rs752126260, ClinGen allele CA3772811.

ClinVar aggregate classification (germline): Uncertain significance. Review status: criteria provided, multiple submitters, no conflicts (2 of 4 stars). 2 submissions from 2 submitters: Uncertain significance (2). Last evaluated 2023-10-01.

Conditions:
Retinal dystrophy. Also called: Inherited retinal dystrophy. Identifiers: Orphanet 71862, MedGen C0854723, MeSH D058499, MONDO:0019118, HP:0000556.

Allele frequency attached by ClinVar (database versions not stated): gnomAD exomes 0.00001; ExAC 0.00002.
gnomAD v4.1: 9 of 1,614,090 alleles (0.00056%); highest among the groups gnomAD compares: East Asian, 0.02%; no homozygotes.

Submissions (2):

Dept Of Ophthalmology, Nagoya University
Classification: Uncertain significance for Retinal dystrophy. Last evaluated: 2023-10-01. Review status: criteria provided, single submitter. Criteria: Submitter's publication. Collection method: research. Allele origin: germline. Affected: yes.

Labcorp Genetics (formerly Invitae), Labcorp
Classification: Uncertain significance. Last evaluated: 2022-11-28. Review status: criteria provided, single submitter. Criteria: Invitae Variant Classification Sherloc (09022015). Collection method: clinical testing. Allele origin: germline.
Comment: This variant is present in population databases (rs752126260, gnomAD 0.01%). In summary, the available evidence is currently insufficient to determine the role of this variant in disease. Therefore, it has been classified as a Variant of Uncertain Significance. Advanced modeling of protein sequence and biophysical properties (such as structural, functional, and spatial information, amino acid conservation, physicochemical variation, residue mobility, and thermodynamic stability) performed at Invitae indicates that this missense variant is not expected to disrupt TULP1 protein function. ClinVar contains an entry for this variant (Variation ID: 953872). This variant has not been reported in the literature in individuals affected with TULP1-related conditions. This sequence change replaces arginine, which is basic and polar, with serine, which is neutral and polar, at codon 246 of the TULP1 protein (p.Arg246Ser).